The following is an entry in ClinVar:

NM_006231.4(POLE):c.4155T>A (p.Asn1385Lys)

Gene: POLE (DNA polymerase epsilon, catalytic subunit; minus strand). Cytogenetic location: 12q24.33.
Variant type: single nucleotide variant.
Coding change: c.4155T>A on transcript NM_006231.4 (MANE Select); coding-DNA position 4155, T replaced by A.
Protein change: p.Asn1385Lys; replaces asparagine 1385 with lysine.
Molecular consequence: missense variant.
Genome position (GRCh38, 1-based): chr12:132,643,972, A>T on the plus strand (T>A on the coding strand, the complement: POLE is on the minus strand). VCF-style: chr12-132643972-A-T. GRCh37 (hg19) VCF-style: chr12-133220558-A-T.
Other names: short protein forms N1385K.
Identifiers: ClinVar variation 3225452 (VCV003225452.1), dbSNP rs2138562425, ClinGen allele CA387382535.

ClinVar aggregate classification (germline): Uncertain significance (1 of 4 stars; one submission).

Conditions:
Hereditary cancer-predisposing syndrome. Also called: Neoplastic Syndromes, Hereditary; Tumor predisposition; Hereditary neoplastic syndrome; Hereditary Cancer Syndrome. Identifiers: Orphanet 140162, MedGen C0027672, MeSH D009386, MONDO:0015356.

Submission:

Ambry Genetics
Classification: Uncertain significance for Hereditary cancer-predisposing syndrome. Last evaluated: 2023-09-29. Review status: criteria provided, single submitter. Criteria: Ambry Variant Classification Scheme 2023. Collection method: clinical testing. Allele origin: germline.
Comment: The p.N1385K variant (also known as c.4155T>A), located in coding exon 33 of the POLE gene, results from a T to A substitution at nucleotide position 4155. The asparagine at codon 1385 is replaced by lysine, an amino acid with similar properties. This amino acid position is conserved. In addition, this alteration is predicted to be tolerated by in silico analysis. Since supporting evidence is limited at this time, the clinical significance of this alteration remains unclear.